The following is an entry in ClinVar:

ClinVar aggregate classification (germline): Uncertain significance (1 of 4 stars; one submission).

Conditions:
Kabuki syndrome. Also called: NIIKAWA-KUROKI SYNDROME; Kabuki make-up syndrome. Identifiers: Orphanet 2322, MedGen C0796004, MONDO:0016512.

Submission:

Labcorp Genetics (formerly Invitae), Labcorp
Classification: Uncertain significance for Kabuki syndrome. Last evaluated: 2026-01-06. Review status: criteria provided, single submitter. Criteria: Invitae Variant Classification Sherloc (09022015). Collection method: clinical testing. Allele origin: germline.
Comment: This sequence change replaces valine, which is neutral and non-polar, with isoleucine, which is neutral and non-polar, at codon 2615 of the KMT2D protein (p.Val2615Ile). This variant is not present in population databases (gnomAD no frequency). This variant has not been reported in the literature in individuals affected with KMT2D-related conditions. Invitae Evidence Modeling of protein sequence and biophysical properties (such as structural, functional, and spatial information, amino acid conservation, physicochemical variation, residue mobility, and thermodynamic stability) indicates that this missense variant is not expected to disrupt KMT2D protein function with a negative predictive value of 95%. In summary, the available evidence is currently insufficient to determine the role of this variant in disease. Therefore, it has been classified as a Variant of Uncertain Significance.

NM_003482.4(KMT2D):c.7843G>A (p.Val2615Ile)

Gene: KMT2D (lysine methyltransferase 2D; minus strand). Cytogenetic location: 12q13.12.
Variant type: single nucleotide variant.
Coding change: c.7843G>A on transcript NM_003482.4 (MANE Select); coding-DNA position 7843, G replaced by A.
Protein change: p.Val2615Ile; replaces valine 2615 with isoleucine.
Molecular consequence: missense variant.
Genome position (GRCh38, 1-based): chr12:49,039,927, C>T on the plus strand (G>A on the coding strand, the complement: KMT2D is on the minus strand). VCF-style: chr12-49039927-C-T. GRCh37 (hg19) VCF-style: chr12-49433710-C-T.
Other names: short protein forms V2615I.
Identifiers: ClinVar variation 4801231 (VCV004801231.1).
Genomic context (GRCh38, chr12:49,039,927, plus strand): 5'-GCTGTGAGGCTCCATGGGACAGGTAGGGGAGGGATCCGTCGGGTGCAGGTGGTGGCAGAA[C>T]CGACGGAGGGCGTAGTGGGGACAGCCCATAGCTCTCCCCTGTGGACCCGCTGCTGGGCCC-3'
Protein context (NP_003473.3, residues 2605-2625): YGLSPLRPPS[Val2615Ile]LPPPAPDGSL